The following is an entry in ClinVar:

ClinVar aggregate classification (germline): Uncertain significance (1 of 4 stars; one submission).

Conditions:
Cardiovascular phenotype. Identifiers: MedGen CN230736.

gnomAD v4.1: 2 of 1,543,392 alleles (0.00013%); highest among the groups gnomAD compares: African/African-American, 0.0014%; no homozygotes.

Submission:

Ambry Genetics
Classification: Uncertain significance for Cardiovascular phenotype. Last evaluated: 2023-03-16. Review status: criteria provided, single submitter. Criteria: Ambry Variant Classification Scheme 2023. Collection method: clinical testing. Allele origin: germline.
Comment: The p.D454N variant (also known as c.1360G>A), located in coding exon 4 of the JPH2 gene, results from a G to A substitution at nucleotide position 1360. The aspartic acid at codon 454 is replaced by asparagine, an amino acid with highly similar properties. This amino acid position is conserved. In addition, this alteration is predicted to be tolerated by in silico analysis. Since supporting evidence is limited at this time, the clinical significance of this alteration remains unclear.

NM_020433.5(JPH2):c.1360G>A (p.Asp454Asn)

Gene: JPH2 (junctophilin 2; minus strand). Cytogenetic location: 20q13.12.
Variant type: single nucleotide variant.
Coding change: c.1360G>A on transcript NM_020433.5 (MANE Select); coding-DNA position 1360, G replaced by A.
Protein change: p.Asp454Asn; replaces aspartic acid 454 with asparagine.
Molecular consequence: missense variant.
Genome position (GRCh38, 1-based): chr20:44,116,315, C>T on the plus strand (G>A on the coding strand, the complement: JPH2 is on the minus strand). VCF-style: chr20-44116315-C-T. GRCh37 (hg19) VCF-style: chr20-42744955-C-T.
Other names: short protein forms D454N.
Identifiers: ClinVar variation 2566234 (VCV002566234.2), dbSNP rs899891263, ClinGen allele CA409100786.